The following is an entry in ClinVar:

NM_001184.4(ATR):c.302A>T (p.Asn101Ile)

Gene: ATR (ATR serine/threonine kinase; minus strand). Cytogenetic location: 3q23.
Variant type: single nucleotide variant.
Coding change: c.302A>T on transcript NM_001184.4 (MANE Select); coding-DNA position 302, A replaced by T.
Protein change: p.Asn101Ile; replaces asparagine 101 with isoleucine.
Molecular consequence: missense variant.
Genome position (GRCh38, 1-based): chr3:142,563,100, T>A on the plus strand (A>T on the coding strand, the complement: ATR is on the minus strand). VCF-style: chr3-142563100-T-A. GRCh37 (hg19) VCF-style: chr3-142281942-T-A.
Other names: c.302A>T, p.Asn101Ile (NM_001354579.2); short protein forms N101I.
Identifiers: ClinVar variation 3331664 (VCV003331664.1).
Genomic context (GRCh38, chr3:142,563,100, plus strand): 5'-TTGTGTAACAAATGACAGGAGGGAGTTGCTGCAATCCGCAGAAGTCTCGTTATGATCCAA[T>A]TACTGAATTCTTTGAAATAAACAAAAAAGATATTAAATAAACAAGTATATCCGAAGTGCT-3'
Protein context (NP_001175.2, residues 91-111): EAKGSCIEFS[Asn101Ile]WIITRLLRIA

ClinVar aggregate classification (germline): Uncertain significance (1 of 4 stars; one submission).

Conditions:
Inborn genetic diseases. Identifiers: MedGen C0950123, MeSH D030342.

gnomAD v4.1: 1 of 1,602,126 alleles (0.000062%); highest among the groups gnomAD compares: East Asian, 0.0022%; no homozygotes.

Submission:

Ambry Genetics
Classification: Uncertain significance for Inborn genetic diseases. Last evaluated: 2024-04-22. Review status: criteria provided, single submitter. Criteria: Ambry Variant Classification Scheme 2023. Collection method: clinical testing. Allele origin: germline.
Comment: The p.N101I variant (also known as c.302A>T), located in coding exon 4 of the ATR gene, results from an A to T substitution at nucleotide position 302. The asparagine at codon 101 is replaced by isoleucine, an amino acid with dissimilar properties. This amino acid position is conserved. In addition, this alteration is predicted to be tolerated by in silico analysis. Based on the available evidence, the clinical significance of this variant remains unclear.